The following is an entry in ClinVar:

ClinVar aggregate classification (germline): Uncertain significance (1 of 4 stars; one submission).

Conditions:
Perlman syndrome (PRLMNS). Identifiers: Orphanet 2849, MedGen C0796113, MONDO:0009965, OMIM 267000.

Submission:

Labcorp Genetics (formerly Invitae), Labcorp
Classification: Uncertain significance for Perlman syndrome. Last evaluated: 2023-03-07. Review status: criteria provided, single submitter. Criteria: Invitae Variant Classification Sherloc (09022015). Collection method: clinical testing. Allele origin: germline.
Comment: In summary, the available evidence is currently insufficient to determine the role of this variant in disease. Therefore, it has been classified as a Variant of Uncertain Significance. Advanced modeling of protein sequence and biophysical properties (such as structural, functional, and spatial information, amino acid conservation, physicochemical variation, residue mobility, and thermodynamic stability) performed at Invitae indicates that this missense variant is not expected to disrupt DIS3L2 protein function. ClinVar contains an entry for this variant (Variation ID: 2010021). This variant has not been reported in the literature in individuals affected with DIS3L2-related conditions. This variant is not present in population databases (gnomAD no frequency). This sequence change replaces glutamic acid, which is acidic and polar, with glycine, which is neutral and non-polar, at codon 523 of the DIS3L2 protein (p.Glu523Gly).

NM_152383.5(DIS3L2):c.1568A>G (p.Glu523Gly)

Gene: DIS3L2 (DIS3 like 3'-5' exoribonuclease 2; plus strand). Cytogenetic location: 2q37.1.
Variant type: single nucleotide variant.
Coding change: c.1568A>G on transcript NM_152383.5 (MANE Select); coding-DNA position 1568, A replaced by G.
Protein change: p.Glu523Gly; replaces glutamic acid 523 with glycine.
Molecular consequence: missense variant. On other transcripts: non-coding transcript variant (2).
Genome position (GRCh38, 1-based): chr2:232,263,349, A>G. VCF-style: chr2-232263349-A-G. GRCh37 (hg19) VCF-style: chr2-233128059-A-G.
Other names: c.1568A>G, p.Glu523Gly (NM_001257281.2); short protein forms E523G.
Identifiers: ClinVar variation 2010021 (VCV002010021.4), dbSNP rs2470079466, ClinGen allele CA350975543.
Genomic context (GRCh38, chr2:232,263,349, plus strand): 5'-GCCCAACTGAGAAAATCCCTGCGAAAGAGCTGCCCCCCATTTCCCCAGAGCATAGCAGCG[A>G]GGAGGTACACCAGGCCGTCTTGAATCTCCACGGAATTGCCAAGCAGTTACGCCAGCAGCG-3'
Protein context (NP_689596.4, residues 513-533): LPPISPEHSS[Glu523Gly]EVHQAVLNLH